The following is an entry in ClinVar:

ClinVar aggregate classification (germline): Uncertain significance. Review status: criteria provided, multiple submitters, no conflicts (2 of 4 stars). 2 submissions from 2 submitters: Uncertain significance (2). Last evaluated 2025-08-13.

Conditions:
NBEAL2-related disorder. Also called: NBEAL2-related condition.
Inborn genetic diseases. Identifiers: MedGen C0950123, MeSH D030342.

gnomAD v4.1: 198 of 1,612,982 alleles (0.012%); highest among the groups gnomAD compares: Non-Finnish European, 0.013%; 1 homozygote.

Submissions (2):

Ambry Genetics
Classification: Uncertain significance for Inborn genetic diseases. Last evaluated: 2025-08-13. Review status: criteria provided, single submitter. Criteria: Ambry Variant Classification Scheme 2023. Collection method: clinical testing. Allele origin: germline.

PreventionGenetics, part of Exact Sciences
Classification: Uncertain significance for NBEAL2-related condition. Last evaluated: 2025-04-02. Review status: criteria provided, single submitter. Criteria: ACMG Guidelines, 2015. Collection method: clinical testing. Allele origin: germline.
Comment: The NBEAL2 c.7747C>T variant is predicted to result in the amino acid substitution p.Arg2583Cys. To our knowledge, this variant has not been reported in the literature. This variant is reported in 0.028% of alleles in individuals of European (Finnish) descent in gnomAD. At the time of reporting, this variant is absent from the ClinVar database. At this time, the clinical significance of this variant is uncertain due to the absence of conclusive functional and genetic evidence.

NM_015175.3(NBEAL2):c.7747C>T (p.Arg2583Cys)

Gene: NBEAL2 (neurobeachin like 2; plus strand). Cytogenetic location: 3p21.31.
Variant type: single nucleotide variant.
Coding change: c.7747C>T on transcript NM_015175.3 (MANE Select); coding-DNA position 7747, C replaced by T.
Protein change: p.Arg2583Cys; replaces arginine 2583 with cysteine.
Molecular consequence: missense variant.
Genome position (GRCh38, 1-based): chr3:47,008,310, C>T. VCF-style: chr3-47008310-C-T. GRCh37 (hg19) VCF-style: chr3-47049800-C-T.
Other names: c.7645C>T, p.Arg2549Cys (NM_001365116.2); short protein forms R2549C, R2583C.
Identifiers: ClinVar variation 4117222 (VCV004117222.2).